The following is an entry in ClinVar:

ClinVar aggregate classification (germline): Pathogenic (1 of 4 stars; one submission).

Conditions:
Pelizaeus-Merzbacher disease. Also called: LEUKODYSTROPHY, HYPOMYELINATING, 1; Sudanophilic leukodystrophy; Pelizaeus-Merzbacher spectrum disorder; Pelizaeus-Merzbacher Disease (PMD); Pelizeaus-Merzbacher spectrum disorder. Identifiers: Orphanet 702, MedGen C0205711, MONDO:0010714, OMIM 312080, HP:0003269.

Submission:

Molecular Diagnostics Lab, Nemours Children's Health, Delaware
Classification: Pathogenic for Pelizaeus-Merzbacher disease. Last evaluated: 2021-03-31. Review status: criteria provided, single submitter. Criteria: ACMG Guidelines, 2015. Collection method: clinical testing. Allele origin: unknown. Inheritance: X-linked inheritance. Affected: yes. Observed: 1 hemizygote.
Comment: This missense variant (c.2T>A, p.Met1Lys) has not been observed in population databases (gnomAD). It has not been described in the literature, although other changes that also alter the initiation codon have been reported (PMID 10417279, 22343157, 8786077, 12910435). Variant prediction programs suggest a deleterious effect on the PLP1 protein, although no functional studies have been published.

Literature cited by the submitters: PubMed 1047279; PubMed 22343157; PubMed 8786077; PubMed 12910435.

NM_000533.5(PLP1):c.2T>A (p.Met1Lys)

Genes: PLP1 (proteolipid protein 1; plus strand), RAB9B (RAB9B, member RAS oncogene family; minus strand). Cytogenetic location: Xq22.2.
Variant type: single nucleotide variant.
Coding change: c.2T>A on transcript NM_000533.5 (MANE Select); coding-DNA position 2, T replaced by A.
Protein change: p.Met1Lys; changes the start codon (methionine 1).
Molecular consequence: missense variant, initiator codon variant.
Genome position (GRCh38, 1-based): chrX:103,776,997, T>A. VCF-style: chrX-103776997-T-A. GRCh37 (hg19) VCF-style: chrX-103031925-T-A.
Other names: c.2T>A, p.Met1Lys (NM_001128834.3, NM_001305004.1, NM_199478.3); short protein forms M1K.
Identifiers: ClinVar variation 3255419 (VCV003255419.2), dbSNP rs864622194.